The following is an entry in ClinVar:

ClinVar aggregate classification (germline): Likely benign (1 of 4 stars; one submission).

Allele frequency attached by ClinVar (database versions not stated): TOPMed 0.00001.
gnomAD v4.1: 10 of 1,613,790 alleles (0.00062%); highest among the groups gnomAD compares: East Asian, 0.0067%; no homozygotes.

Submission:

CeGaT Center for Human Genetics Tuebingen
Classification: Likely benign. Last evaluated: 2023-04-01. Review status: criteria provided, single submitter. Criteria: CeGaT Center For Human Genetics Tuebingen Variant Classification Criteria Version 2. Collection method: clinical testing. Allele origin: germline. Affected: yes. Observed: 1 variant allele.
Comment: DNAH10: BP4, BP7

NM_001372106.1(DNAH10):c.13578G>A (p.Pro4526=)

Genes: DNAH10 (dynein axonemal heavy chain 10; plus strand), DNAH10OS (dynein axonemal heavy chain 10 opposite strand; minus strand). Cytogenetic location: 12q24.31.
Variant type: single nucleotide variant.
Coding change: c.13578G>A on transcript NM_001372106.1 (MANE Select); coding-DNA position 13578, G replaced by A.
Protein change: p.Pro4526=; no amino-acid change (proline 4526 retained).
Molecular consequence: synonymous variant.
Genome position (GRCh38, 1-based): chr12:123,934,721, G>A. VCF-style: chr12-123934721-G-A. GRCh37 (hg19) VCF-style: chr12-124419268-G-A.
Other names: c.13224G>A, p.Pro4408= (NM_207437.3).
Identifiers: ClinVar variation 2643545 (VCV002643545.24), dbSNP rs1313757898, ClinGen allele CA482454095.